The following is an entry in ClinVar:

NM_012208.4(HARS2):c.598C>G (p.Leu200Val)

Gene: HARS2 (histidyl-tRNA synthetase 2, mitochondrial; plus strand). Cytogenetic location: 5q31.3.
Variant type: single nucleotide variant.
Coding change: c.598C>G on transcript NM_012208.4 (MANE Select); coding-DNA position 598, C replaced by G.
Protein change: p.Leu200Val; replaces leucine 200 with valine.
Molecular consequence: missense variant.
Genome position (GRCh38, 1-based): chr5:140,695,810, C>G. VCF-style: chr5-140695810-C-G. GRCh37 (hg19) VCF-style: chr5-140075395-C-G.
Other names: c.523C>G, p.Leu175Val (NM_001278731.2); c.166C>G, p.Leu56Val (NM_001278732.2); c.616C>G, p.Leu206Val (NM_001363535.2); c.388C>G, p.Leu130Val (NM_001363536.2); short protein forms L200V, L130V, L56V, L206V, L175V.
Identifiers: ClinVar variation 39620 (VCV000039620.6), dbSNP rs397515410, ClinGen allele CA343806.

ClinVar aggregate classification (germline): Pathogenic. Review status: criteria provided, single submitter (1 of 4 stars). 4 submissions from 4 submitters: Pathogenic (1). 3 of the submissions do not count toward it. Last evaluated 2022-12-15.

Conditions:
Perrault syndrome 2 (PRLTS2). Identifiers: Orphanet 2855, Orphanet 642976, MedGen C3554105, MONDO:0013972, OMIM 614926.
Perrault syndrome. Also called: Gonadal dysgenesis with auditory dysfunction, autosomal recessive inheritance. Identifiers: Orphanet 2855, MedGen C0685838, MONDO:0017312.

Allele frequency attached by ClinVar (database versions not stated): TOPMed below 0.00001; gnomAD 0.00003.

Submissions (4):

GeneDx
Classification: Pathogenic. Last evaluated: 2022-12-15. Review status: criteria provided, single submitter. Criteria: GeneDx Variant Classification Process June 2021. Collection method: clinical testing. Allele origin: germline.
Comment: Published functional studies demonstrate aberrant splicing and reduced enzymatic activity (Pierce et al., 2011); Not observed at significant frequency in large population cohorts (gnomAD); This variant is associated with the following publications: (PMID: 517579, 27650058, 31589614, 34406847, 31827252, 31449985, 21464306)

ClinVar Staff, National Center for Biotechnology Information (NCBI)
Classification: Likely pathogenic for Perrault syndrome 2. Last evaluated: 2013-06-27. Review status: no assertion criteria provided. Collection method: literature only. Allele origin: germline. Affected: yes. Not counted in ClinVar's aggregate classification.

OMIM
Classification: Pathogenic for PERRAULT SYNDROME 2. Last evaluated: 2011-04-19. Review status: no assertion criteria provided. Collection method: literature only. Allele origin: germline. Not counted in ClinVar's aggregate classification.

GeneReviews
No classification provided. Condition: Perrault syndrome. Review status: no classification provided. Collection method: literature only. Allele origin: germline. Not counted in ClinVar's aggregate classification.
Comment: Created an alternate splice site leading to deletion of 12 codons.

Literature cited by the submitters: PubMed 21464306 (cited by 3 submitters); PubMed 517579 (cited by OMIM).